The following is an entry in ClinVar:

NM_004448.4(ERBB2):c.2882T>C (p.Ile961Thr)

Gene: ERBB2 (erb-b2 receptor tyrosine kinase 2; plus strand). Cytogenetic location: 17q12.
Variant type: single nucleotide variant.
Coding change: c.2882T>C on transcript NM_004448.4 (MANE Select); coding-DNA position 2882, T replaced by C.
Protein change: p.Ile961Thr; replaces isoleucine 961 with threonine.
Molecular consequence: missense variant. On other transcripts: non-coding transcript variant (1), intron variant (1).
Genome position (GRCh38, 1-based): chr17:39,726,571, T>C. VCF-style: chr17-39726571-T-C. GRCh37 (hg19) VCF-style: chr17-37882824-T-C.
Other names: c.2792T>C, p.Ile931Thr (NM_001005862.3, NM_001382782.1, NM_001382783.1); c.2837T>C, p.Ile946Thr (NM_001289936.2); c.2882T>C, p.Ile961Thr (NM_001289937.2, NM_001382796.1); c.2999T>C, p.Ile1000Thr (NM_001382784.1); c.2984T>C, p.Ile995Thr (NM_001382785.1); c.2963T>C, p.Ile988Thr (NM_001382786.1); c.2957T>C, p.Ile986Thr (NM_001382787.1); c.2912T>C, p.Ile971Thr (NM_001382788.1); and 15 more; short protein forms I901T, I909T, I945T, I947T, I949T, I958T, I986T, I615T.
Identifiers: ClinVar variation 1446475 (VCV001446475.6), dbSNP rs761891977, ClinGen allele CA8534414.
Genomic context (GRCh38, chr17:39,726,571, plus strand): 5'-AGCAAGCACACAGGGCCTGGGACTAGCATGCTGACCTCCCTCCTGCCCCAGGTTGGATGA[T>C]TGACTCTGAATGTCGGCCAAGATTCCGGGAGTTGGTGTCTGAATTCTCCCGCATGGCCAG-3'
Protein context (NP_004439.2, residues 951-971): VYMIMVKCWM[Ile961Thr]DSECRPRFRE

ClinVar aggregate classification (germline): Uncertain significance (1 of 4 stars; one submission).

Allele frequency attached by ClinVar (database versions not stated): ExAC 0.00001; gnomAD 0.00001; gnomAD exomes 0.00002; TOPMed 0.00003.

Submission:

Labcorp Genetics (formerly Invitae), Labcorp
Classification: Uncertain significance. Last evaluated: 2024-12-24. Review status: criteria provided, single submitter. Criteria: Invitae Variant Classification Sherloc (09022015). Collection method: clinical testing. Allele origin: germline.
Comment: This sequence change replaces isoleucine, which is neutral and non-polar, with threonine, which is neutral and polar, at codon 961 of the ERBB2 protein (p.Ile961Thr). This variant is present in population databases (rs761891977, gnomAD 0.002%). This variant has not been reported in the literature in individuals affected with ERBB2-related conditions. ClinVar contains an entry for this variant (Variation ID: 1446475). Invitae Evidence Modeling of protein sequence and biophysical properties (such as structural, functional, and spatial information, amino acid conservation, physicochemical variation, residue mobility, and thermodynamic stability) has been performed for this missense variant. However, the output from this modeling did not meet the statistical confidence thresholds required to predict the impact of this variant on ERBB2 protein function. In summary, the available evidence is currently insufficient to determine the role of this variant in disease. Therefore, it has been classified as a Variant of Uncertain Significance.